The following is an entry in ClinVar:

ClinVar aggregate classification (germline): Uncertain significance (1 of 4 stars; one submission).

Conditions:
Charcot-Marie-Tooth disease type 2. Also called: Charcot-Marie-Tooth type 2. Identifiers: Orphanet 64746, MedGen C0270914, MONDO:0018993.

Submission:

Labcorp Genetics (formerly Invitae), Labcorp
Classification: Uncertain significance for Charcot-Marie-Tooth disease type 2. Last evaluated: 2020-12-29. Review status: criteria provided, single submitter. Criteria: Invitae Variant Classification Sherloc (09022015). Collection method: clinical testing. Allele origin: germline.
Comment: This sequence change replaces lysine with methionine at codon 318 of the GARS protein (p.Lys318Met). The lysine residue is highly conserved and there is a moderate physicochemical difference between lysine and methionine. In summary, the available evidence is currently insufficient to determine the role of this variant in disease. Therefore, it has been classified as a Variant of Uncertain Significance. Algorithms developed to predict the effect of missense changes on protein structure and function (SIFT, PolyPhen-2, Align-GVGD) all suggest that this variant is likely to be disruptive, but these predictions have not been confirmed by published functional studies and their clinical significance is uncertain. This variant has not been reported in the literature in individuals with GARS-related conditions. This variant is not present in population databases (ExAC no frequency).

NM_002047.4(GARS1):c.953A>T (p.Lys318Met)

Gene: GARS1 (glycyl-tRNA synthetase 1; plus strand). Cytogenetic location: 7p14.3.
Variant type: single nucleotide variant.
Coding change: c.953A>T on transcript NM_002047.4 (MANE Select); coding-DNA position 953, A replaced by T.
Protein change: p.Lys318Met; replaces lysine 318 with methionine.
Molecular consequence: missense variant.
Genome position (GRCh38, 1-based): chr7:30,612,167, A>T. VCF-style: chr7-30612167-A-T. GRCh37 (hg19) VCF-style: chr7-30651783-A-T.
Other names: c.791A>T, p.Lys264Met (NM_001316772.1); short protein forms K264M, K318M.
Identifiers: ClinVar variation 1680918 (VCV001680918.8), dbSNP rs2128134017, ClinGen allele CA367125063.
Genomic context (GRCh38, chr7:30,612,167, plus strand): 5'-CAGAAACTGCACAGGGGATTTTCTTGAATTTCAAACGACTTTTGGAGTTCAACCAAGGAA[A>T]GTTGCCTTTTGCTGCTGCCCAGATTGGAAATTCTTTTAGAAATGAGATCTCCCCTCGATC-3'
Protein context (NP_002038.2, residues 308-328): FKRLLEFNQG[Lys318Met]LPFAAAQIGN